The following is an entry in ClinVar:

NM_000537.4(REN):c.58T>C (p.Cys20Arg)

Genes: REN (renin; minus strand), LOC107548112 (REN promoter and enhancer region; plus strand). Cytogenetic location: 1q32.1.
Variant type: single nucleotide variant.
Coding change: c.58T>C on transcript NM_000537.4 (MANE Select); coding-DNA position 58, T replaced by C.
Protein change: p.Cys20Arg; replaces cysteine 20 with arginine.
Molecular consequence: missense variant.
Genome position (GRCh38, 1-based): chr1:204,166,236, A>G on the plus strand (T>C on the coding strand, the complement: REN is on the minus strand). VCF-style: chr1-204166236-A-G. GRCh37 (hg19) VCF-style: chr1-204135364-A-G.
Other names: short protein forms C20R.
Identifiers: ClinVar variation 974505 (VCV000974505.8), dbSNP rs1658347337, ClinGen allele CA344343012.

ClinVar aggregate classification (germline): Pathogenic/Likely pathogenic. Review status: criteria provided, multiple submitters, no conflicts (2 of 4 stars). 3 submissions from 3 submitters: Pathogenic (2); Likely pathogenic (1). Last evaluated 2024-06-28.

Conditions:
REN-related disorder. Also called: REN-related condition.
Familial juvenile hyperuricemic nephropathy type 2 (ADTKD4). Also called: Autosomal Dominant Tubulointerstitial Kidney Disease – REN; EARLY-ONSET HYPERURICEMIA, ANEMIA, AND PROGRESSIVE KIDNEY FAILURE. Identifiers: Orphanet 217330, MedGen C2751310, MONDO:0013128, OMIM 613092.

Submissions (3):

Blueprint Genetics
Classification: Pathogenic for REN-related disorders. Last evaluated: 2024-06-28. Review status: criteria provided, single submitter. Criteria: ACMG Guidelines, 2015. Collection method: clinical testing. Allele origin: germline. Affected: yes. Observed: 2 variant alleles.

Labcorp Genetics (formerly Invitae), Labcorp
Classification: Pathogenic. Last evaluated: 2023-07-24. Review status: criteria provided, single submitter. Criteria: Invitae Variant Classification Sherloc (09022015). Collection method: clinical testing. Allele origin: germline.
Comment: This sequence change replaces cysteine, which is neutral and slightly polar, with arginine, which is basic and polar, at codon 20 of the REN protein (p.Cys20Arg). This variant is not present in population databases (gnomAD no frequency). This missense change has been observed in individual(s) with autosomal dominant tubulointerstitial kidney disease (PMID: 21084044, 33532864). In at least one individual the variant was observed to be de novo. It has also been observed to segregate with disease in related individuals. ClinVar contains an entry for this variant (Variation ID: 974505). An algorithm developed to predict the effect of missense changes on protein structure and function (PolyPhen-2) suggests that this variant is likely to be tolerated. Experimental studies have shown that this missense change affects REN function (PMID: 21084044). For these reasons, this variant has been classified as Pathogenic.

Molecular Biology Laboratory, Fundació Puigvert
Classification: Likely pathogenic for Familial juvenile hyperuricemic nephropathy type 2. Last evaluated: 2020-02-01. Review status: criteria provided, single submitter. Criteria: ACMG Guidelines, 2015. Collection method: research. Allele origin: maternal. Affected: yes. Study: KidneyPanel_2020.

Literature cited by the submitters: PubMed 21084044 (cited by Labcorp Genetics (formerly Invitae), Labcorp); PubMed 33532864 (cited by Labcorp Genetics (formerly Invitae), Labcorp and Molecular Biology Laboratory, Fundació Puigvert).